The following is an entry in ClinVar:

NM_006279.5(ST3GAL3):c.1093G>A (p.Ala365Thr)

Gene: ST3GAL3 (ST3 beta-galactoside alpha-2,3-sialyltransferase 3; plus strand). Cytogenetic location: 1p34.1.
Variant type: single nucleotide variant.
Coding change: c.1093G>A on transcript NM_006279.5 (MANE Select); coding-DNA position 1093, G replaced by A.
Protein change: p.Ala365Thr; replaces alanine 365 with threonine.
Molecular consequence: missense variant. On other transcripts: 3 prime UTR variant (4), non-coding transcript variant (8).
Genome position (GRCh38, 1-based): chr1:43,930,186, G>A. VCF-style: chr1-43930186-G-A. GRCh37 (hg19) VCF-style: chr1-44395858-G-A.
Other names: c.1003G>A, p.Ala335Thr (NM_001270459.2); c.1000G>A, p.Ala334Thr (NM_001270460.2); c.751G>A, p.Ala251Thr (NM_001270461.3); c.658G>A, p.Ala220Thr (NM_001270462.3); c.*3G>A (NM_001270463.3, NM_001270464.3, NM_001270466.3); c.*77G>A (NM_001270465.3); c.1334G>A, p.Ser445Asn (NM_001350619.2); c.1289G>A, p.Ser430Asn (NM_001350620.2); and 11 more; short protein forms A334T, A335T, S166N, S445N, A251T, A267T, A321T, A365T.
Identifiers: ClinVar variation 845383 (VCV000845383.10), dbSNP rs2084833168, ClinGen allele CA340036821.

ClinVar aggregate classification (germline): Uncertain significance (1 of 4 stars; one submission).

Conditions:
Early-infantile DEE. Also called: Ohtahara syndrome; Early infantile epileptic encephalopathy with suppression bursts; Early infantile epileptic encephalopathy. Identifiers: Orphanet 1934, MedGen C0393706, MONDO:0800491.

Allele frequency attached by ClinVar (database versions not stated): gnomAD exomes below 0.00001.
gnomAD v4.1: 1 of 1,614,062 alleles (0.000062%); highest among the groups gnomAD compares: African/African-American, 0.0013%; no homozygotes.

Submission:

Labcorp Genetics (formerly Invitae), Labcorp
Classification: Uncertain significance for Early-infantile DEE. Last evaluated: 2022-07-12. Review status: criteria provided, single submitter. Criteria: Invitae Variant Classification Sherloc (09022015). Collection method: clinical testing. Allele origin: germline.
Comment: Algorithms developed to predict the effect of missense changes on protein structure and function are either unavailable or do not agree on the potential impact of this missense change (SIFT: "Tolerated"; PolyPhen-2: "Possibly Damaging"; Align-GVGD: "Class C0"). ClinVar contains an entry for this variant (Variation ID: 845383). This variant has not been reported in the literature in individuals affected with ST3GAL3-related conditions. This variant is not present in population databases (gnomAD no frequency). This sequence change replaces alanine, which is neutral and non-polar, with threonine, which is neutral and polar, at codon 365 of the ST3GAL3 protein (p.Ala365Thr). In summary, the available evidence is currently insufficient to determine the role of this variant in disease. Therefore, it has been classified as a Variant of Uncertain Significance.